The following is an entry in ClinVar:

NM_000368.5(TSC1):c.273G>T (p.Ser91=)

Gene: TSC1 (TSC complex subunit 1; minus strand). Cytogenetic location: 9q34.13.
Variant type: single nucleotide variant.
Coding change: c.273G>T on transcript NM_000368.5 (MANE Select); coding-DNA position 273, G replaced by T.
Protein change: p.Ser91=; no amino-acid change (serine 91 retained).
Molecular consequence: synonymous variant. On other transcripts: 5 prime UTR variant (18), non-coding transcript variant (5), intron variant (5).
Genome position (GRCh38, 1-based): chr9:132,925,677, C>A on the plus strand (G>T on the coding strand, the complement: TSC1 is on the minus strand). VCF-style: chr9-132925677-C-A. GRCh37 (hg19) VCF-style: chr9-135801064-C-A.
Other names: c.273G>T, p.Ser91= (NM_001162426.2, NM_001406592.1, NM_001406593.1 and 16 more transcripts); c.-91G>T (NM_001362177.2, NM_001406617.1, NM_001406618.1 and 5 more transcripts); c.-183G>T (NM_001406614.1, NM_001406616.1, NM_001406624.1); c.-216G>T (NM_001406615.1, NM_001406623.1); c.-605G>T (NM_001406626.1, NM_001406627.1, NM_001406628.1); c.-747G>T (NM_001406629.1); c.-821G>T (NM_001406630.1); c.210+1524G>T (NM_001406613.1, NM_001406612.1, NM_001406610.1 and 2 more transcripts).
Identifiers: ClinVar variation 2911519 (VCV002911519.5), dbSNP rs115097221, ClinGen allele CA034492.
Genomic context (GRCh38, chr9:132,925,677, plus strand): 5'-AGGTGCTTGAGAGAGCTTATGCTTCCAAGATGGCTGCAGTCTTATGACATGACCCAGTAA[C>A]GAGAGGATGGATAAACGAGTGGCGGCTTTGCCCACATATTCGTTAATCCTGTCCAAGAGG-3'
Protein context (NP_000359.1, residues 81-101): GKAATRLSIL[Ser91=]LLGHVIRLQP

ClinVar aggregate classification (germline): Benign/Likely benign. Review status: criteria provided, multiple submitters, no conflicts (2 of 4 stars). 3 submissions from 3 submitters: Benign (1); Likely benign (2). Last evaluated 2025-10-30.

Conditions:
Hereditary cancer-predisposing syndrome. Also called: Neoplastic Syndromes, Hereditary; Tumor predisposition; Hereditary neoplastic syndrome; Hereditary Cancer Syndrome. Identifiers: Orphanet 140162, MedGen C0027672, MeSH D009386, MONDO:0015356.
Tuberous sclerosis 1 (TSC1). Identifiers: Orphanet 805, MedGen C1854465, MONDO:0008612, OMIM 191100.

gnomAD v4.1: 4 of 1,614,156 alleles (0.00025%); highest among the groups gnomAD compares: Non-Finnish European, 0.00025%; no homozygotes.

Submissions (3):

Ambry Genetics
Classification: Likely benign for Hereditary cancer-predisposing syndrome. Last evaluated: 2025-10-30. Review status: criteria provided, single submitter. Criteria: Ambry Variant Classification Scheme 2023. Collection method: clinical testing. Allele origin: germline.

Myriad Genetics, Inc.
Classification: Benign for Tuberous sclerosis 1. Last evaluated: 2025-04-08. Review status: criteria provided, single submitter. Criteria: Myriad Autosomal Dominant, Autosomal Recessive and X-Linked Classification Criteria (2023). Collection method: clinical testing. Allele origin: unknown.
Comment: This variant is considered benign. This variant is a silent/synonymous amino acid change and it is not expected to impact splicing.

Labcorp Genetics (formerly Invitae), Labcorp
Classification: Likely benign for Tuberous sclerosis 1. Last evaluated: 2025-03-04. Review status: criteria provided, single submitter. Criteria: Invitae Variant Classification Sherloc (09022015). Collection method: clinical testing. Allele origin: germline.